The following is an entry in ClinVar:

NM_015559.3(SETBP1):c.3628C>G (p.Gln1210Glu)

Gene: SETBP1 (SET binding protein 1; plus strand). Cytogenetic location: 18q12.3.
Variant type: single nucleotide variant.
Coding change: c.3628C>G on transcript NM_015559.3 (MANE Select); coding-DNA position 3628, C replaced by G.
Protein change: p.Gln1210Glu; replaces glutamine 1210 with glutamic acid.
Molecular consequence: missense variant.
Genome position (GRCh38, 1-based): chr18:44,952,968, C>G. VCF-style: chr18-44952968-C-G. GRCh37 (hg19) VCF-style: chr18-42532933-C-G.
Other names: c.3628C>G, p.Gln1210Glu (NM_001379141.1, NM_001379142.1, NM_001410862.1); short protein forms Q1210E.
Identifiers: ClinVar variation 2113321 (VCV002113321.4), dbSNP rs2511476669, ClinGen allele CA402324837.

ClinVar aggregate classification (germline): Uncertain significance (1 of 4 stars; one submission).

Allele frequency attached by ClinVar (database versions not stated): gnomAD exomes 0.00001.
gnomAD v4.1: 8 of 1,614,140 alleles (0.0005%); highest among the groups gnomAD compares: Non-Finnish European, 0.00068%; no homozygotes.

Submission:

Labcorp Genetics (formerly Invitae), Labcorp
Classification: Uncertain significance. Last evaluated: 2022-03-17. Review status: criteria provided, single submitter. Criteria: Invitae Variant Classification Sherloc (09022015). Collection method: clinical testing. Allele origin: germline.
Comment: In summary, the available evidence is currently insufficient to determine the role of this variant in disease. Therefore, it has been classified as a Variant of Uncertain Significance. Algorithms developed to predict the effect of missense changes on protein structure and function are either unavailable or do not agree on the potential impact of this missense change (SIFT: "Deleterious"; PolyPhen-2: "Benign"; Align-GVGD: "Class C0"). This variant has not been reported in the literature in individuals affected with SETBP1-related conditions. This variant is not present in population databases (gnomAD no frequency). This sequence change replaces glutamine, which is neutral and polar, with glutamic acid, which is acidic and polar, at codon 1210 of the SETBP1 protein (p.Gln1210Glu).